The following is an entry in ClinVar:

ClinVar aggregate classification (germline): Benign/Likely benign. Review status: criteria provided, multiple submitters, no conflicts (2 of 4 stars). 2 submissions from 2 submitters: Benign (1); Likely benign (1). Last evaluated 2026-01-13.

Conditions:
Dilated cardiomyopathy 1G (CMD1G). Identifiers: Orphanet 154, MedGen C1858763, MONDO:0011400, OMIM 604145.
Autosomal recessive limb-girdle muscular dystrophy type 2J (LGMDR10). Also called: Limb-girdle muscular dystrophy, type 2J; MUSCULAR DYSTROPHY, LIMB-GIRDLE, AUTOSOMAL RECESSIVE 10. Identifiers: Orphanet 140922, MedGen C1837342, MONDO:0012127, OMIM 608807.

Allele frequency attached by ClinVar (database versions not stated): gnomAD exomes below 0.00001; TOPMed 0.00002; gnomAD 0.00004 and 0.00002; ExAC 0.00001.
gnomAD v4.1: 76 of 1,596,072 alleles (0.0048%); highest among the groups gnomAD compares: Non-Finnish European, 0.0061%; no homozygotes.

Submissions (2):

Labcorp Genetics (formerly Invitae), Labcorp
Classification: Likely benign for Dilated cardiomyopathy 1G; Autosomal recessive limb-girdle muscular dystrophy type 2J. Last evaluated: 2026-01-13. Review status: criteria provided, single submitter. Criteria: Invitae Variant Classification Sherloc (09022015). Collection method: clinical testing. Allele origin: germline.

GeneDx
Classification: Benign. Last evaluated: 2013-08-29. Review status: criteria provided, single submitter. Criteria: GeneDx Variant Classification (06012015). Collection method: clinical testing. Allele origin: germline. Affected: yes.
Comment: This variant is considered likely benign or benign based on one or more of the following criteria: it is a conservative change, it occurs at a poorly conserved position in the protein, it is predicted to be benign by multiple in silico algorithms, and/or has population frequency not consistent with disease.

NM_001267550.2(TTN):c.98098+11T>A

Genes: TTN (titin; minus strand), TTN-AS1 (TTN antisense RNA 1; plus strand). Cytogenetic location: 2q31.2.
Variant type: single nucleotide variant.
Coding change: c.98098+11T>A on transcript NM_001267550.2 (MANE Select); 11 bases into the intron after coding-DNA position 98098, T replaced by A.
Molecular consequence: intron variant.
Genome position (GRCh38, 1-based): chr2:178,540,057, A>T on the plus strand (T>A on the coding strand, the complement: TTN is on the minus strand). VCF-style: chr2-178540057-A-T. GRCh37 (hg19) VCF-style: chr2-179404784-A-T.
Other names: c.70903+11T>A (NM_003319.4); c.71479+11T>A (NM_133437.4); c.71278+11T>A (NM_133432.3); c.90394+11T>A (NM_133378.4); c.93175+11T>A (NM_001256850.1).
Identifiers: ClinVar variation 137815 (VCV000137815.10), dbSNP rs587780984, ClinGen allele CA291488.